The following is an entry in ClinVar:

NM_000065.5(C6):c.1510C>T (p.Arg504Trp)

Gene: C6 (complement C6; minus strand). Cytogenetic location: 5p13.1.
Variant type: single nucleotide variant.
Coding change: c.1510C>T on transcript NM_000065.5 (MANE Select); coding-DNA position 1510, C replaced by T.
Protein change: p.Arg504Trp; replaces arginine 504 with tryptophan.
Molecular consequence: missense variant.
Genome position (GRCh38, 1-based): chr5:41,160,316, G>A on the plus strand (C>T on the coding strand, the complement: C6 is on the minus strand). VCF-style: chr5-41160316-G-A. GRCh37 (hg19) VCF-style: chr5-41160418-G-A.
Other names: c.1510C>T, p.Arg504Trp (NM_001115131.4); c.1510C>T (NM_000065.2); short protein forms R504W.
Identifiers: ClinVar variation 1367814 (VCV001367814.6), dbSNP rs752796479, ClinGen allele CA3252430.
Genomic context (GRCh38, chr5:41,160,316, plus strand): 5'-CACACTGGCAAGGATCGAACTTGGCTGCATACTCTTGCAAAGCTTTCCTGAGGTTGTTCC[G>A]TTTTGTCACTGCACAGGGGATGTTTCTTACCAAGTCCACGATGGGGGCAAGCTAGGAGAA-3'
Protein context (NP_000056.2, residues 494-514): VRNIPCAVTK[Arg504Trp]NNLRKALQEY

ClinVar aggregate classification (germline): Uncertain significance. Review status: criteria provided, multiple submitters, no conflicts (2 of 4 stars). 2 submissions from 2 submitters: Uncertain significance (2). Last evaluated 2022-08-09.

Conditions:
Inborn genetic diseases. Identifiers: MedGen C0950123, MeSH D030342.

Allele frequency attached by ClinVar (database versions not stated): gnomAD exomes 0.00002 and 0.00007; ExAC 0.00007; gnomAD 0.00013 and 0.00014; TOPMed 0.00013.
gnomAD v4.1: 59 of 1,613,820 alleles (0.0037%); highest among the groups gnomAD compares: African/African-American, 0.037%; no homozygotes.

Submissions (2):

Labcorp Genetics (formerly Invitae), Labcorp
Classification: Uncertain significance. Last evaluated: 2022-08-09. Review status: criteria provided, single submitter. Criteria: Invitae Variant Classification Sherloc (09022015). Collection method: clinical testing. Allele origin: germline.
Comment: This sequence change replaces arginine, which is basic and polar, with tryptophan, which is neutral and slightly polar, at codon 504 of the C6 protein (p.Arg504Trp). This variant is present in population databases (rs752796479, gnomAD 0.02%). This variant has not been reported in the literature in individuals affected with C6-related conditions. ClinVar contains an entry for this variant (Variation ID: 1367814). Algorithms developed to predict the effect of missense changes on protein structure and function output the following: SIFT: "Deleterious"; PolyPhen-2: "Probably Damaging"; Align-GVGD: "Class C0". The tryptophan amino acid residue is found in multiple mammalian species, which suggests that this missense change does not adversely affect protein function. In summary, the available evidence is currently insufficient to determine the role of this variant in disease. Therefore, it has been classified as a Variant of Uncertain Significance.

Ambry Genetics
Classification: Uncertain significance for Inborn genetic diseases. Last evaluated: 2021-06-11. Review status: criteria provided, single submitter. Criteria: Ambry Variant Classification Scheme 2023. Collection method: clinical testing. Allele origin: germline.